The following is an entry in ClinVar:

NM_005477.3(HCN4):c.569T>C (p.Val190Ala)

Gene: HCN4 (hyperpolarization activated cyclic nucleotide gated potassium channel 4; minus strand). Cytogenetic location: 15q24.1.
Variant type: single nucleotide variant.
Coding change: c.569T>C on transcript NM_005477.3 (MANE Select); coding-DNA position 569, T replaced by C.
Protein change: p.Val190Ala; replaces valine 190 with alanine.
Molecular consequence: missense variant.
Genome position (GRCh38, 1-based): chr15:73,367,702, A>G on the plus strand (T>C on the coding strand, the complement: HCN4 is on the minus strand). VCF-style: chr15-73367702-A-G. GRCh37 (hg19) VCF-style: chr15-73660043-A-G.
Other names: c.569T>C (NM_005477.2); short protein forms V190A.
Identifiers: ClinVar variation 2718581 (VCV002718581.4), dbSNP rs786205269, ClinGen allele CA393097606.

ClinVar aggregate classification (germline): Uncertain significance. Review status: criteria provided, multiple submitters, no conflicts (2 of 4 stars). 3 submissions from 3 submitters: Uncertain significance (3). Last evaluated 2026-09-01.

Conditions:
Brugada syndrome 8 (BRGDA8). Identifiers: Orphanet 130, MedGen C2751083, MONDO:0013148, OMIM 613123.
Cardiovascular phenotype. Identifiers: MedGen CN230736.

gnomAD v4.1: 1 of 1,599,310 alleles (0.000063%); highest among the groups gnomAD compares: Non-Finnish European, 0.000085%; no homozygotes.

Submissions (3):

CeGaT Center for Human Genetics Tuebingen
Classification: Uncertain significance. Last evaluated: 2026-09-01. Review status: criteria provided, single submitter. Criteria: CeGaT Center For Human Genetics Tuebingen Variant Classification Criteria Version 2. Collection method: clinical testing. Allele origin: germline. Affected: yes. Observed: 1 variant allele.
Comment: HCN4: PM2, PP3

Ambry Genetics
Classification: Uncertain significance for Cardiovascular phenotype. Last evaluated: 2024-10-27. Review status: criteria provided, single submitter. Criteria: Ambry Variant Classification Scheme 2023. Collection method: clinical testing. Allele origin: germline.
Comment: The p.V190A variant (also known as c.569T>C), located in coding exon 1 of the HCN4 gene, results from a T to C substitution at nucleotide position 569. The valine at codon 190 is replaced by alanine, an amino acid with similar properties. This amino acid position is well conserved in available vertebrate species. In addition, the in silico prediction for this alteration is inconclusive. Based on the available evidence, the clinical significance of this variant remains unclear.

Labcorp Genetics (formerly Invitae), Labcorp
Classification: Uncertain significance for Brugada syndrome 8. Last evaluated: 2024-01-21. Review status: criteria provided, single submitter. Criteria: Invitae Variant Classification Sherloc (09022015). Collection method: clinical testing. Allele origin: germline.
Comment: This sequence change replaces valine, which is neutral and non-polar, with alanine, which is neutral and non-polar, at codon 190 of the HCN4 protein (p.Val190Ala). This variant is present in population databases (no rsID available, gnomAD 0.001%). This variant has not been reported in the literature in individuals affected with HCN4-related conditions. Advanced modeling of protein sequence and biophysical properties (such as structural, functional, and spatial information, amino acid conservation, physicochemical variation, residue mobility, and thermodynamic stability) performed at Invitae indicates that this missense variant is not expected to disrupt HCN4 protein function with a negative predictive value of 95%. In summary, the available evidence is currently insufficient to determine the role of this variant in disease. Therefore, it has been classified as a Variant of Uncertain Significance.